The following is an entry in ClinVar:

ClinVar aggregate classification (germline): Conflicting classifications of pathogenicity. Review status: criteria provided, conflicting classifications (1 of 4 stars). 2 submissions from 2 submitters: Uncertain significance (1); Benign (1). Last evaluated 2026-02-03.

Conditions:
Ataxia-telangiectasia syndrome (AT). Also called: Cerebello-oculocutaneous telangiectasia; Immunodeficiency with ataxia telangiectasia; LOUIS-BAR SYNDROME; Ataxia-telangiectasia, complementation group D; AT, COMPLEMENTATION GROUP C; ATAXIA-TELANGIECTASIA, COMPLEMENTATION GROUP A. Identifiers: Orphanet 100, MedGen C0004135, MONDO:0008840, OMIM 208900.
Hereditary cancer-predisposing syndrome. Also called: Neoplastic Syndromes, Hereditary; Tumor predisposition; Hereditary Cancer Syndrome; Hereditary neoplastic syndrome. Identifiers: Orphanet 140162, MedGen C0027672, MeSH D009386, MONDO:0015356.

Submissions (2):

Ambry Genetics
Classification: Benign for Hereditary cancer-predisposing syndrome. Last evaluated: 2026-02-03. Review status: criteria provided, single submitter. Criteria: Ambry Variant Classification Scheme 2023. Collection method: clinical testing. Allele origin: germline.

Labcorp Genetics (formerly Invitae), Labcorp
Classification: Uncertain significance for Ataxia-telangiectasia syndrome. Last evaluated: 2022-05-26. Review status: criteria provided, single submitter. Criteria: Invitae Variant Classification Sherloc (09022015). Collection method: clinical testing. Allele origin: germline.
Comment: This sequence change replaces methionine, which is neutral and non-polar, with threonine, which is neutral and polar, at codon 847 of the ATM protein (p.Met847Thr). This variant is not present in population databases (gnomAD no frequency). This variant has not been reported in the literature in individuals affected with ATM-related conditions. Advanced modeling of protein sequence and biophysical properties (such as structural, functional, and spatial information, amino acid conservation, physicochemical variation, residue mobility, and thermodynamic stability) performed at Invitae indicates that this missense variant is not expected to disrupt ATM protein function. In summary, the available evidence is currently insufficient to determine the role of this variant in disease. Therefore, it has been classified as a Variant of Uncertain Significance.

NM_000051.4(ATM):c.2540T>C (p.Met847Thr)

Gene: ATM (ATM serine/threonine kinase; plus strand). Cytogenetic location: 11q22.3.
Variant type: single nucleotide variant.
Coding change: c.2540T>C on transcript NM_000051.4 (MANE Select); coding-DNA position 2540, T replaced by C.
Protein change: p.Met847Thr; replaces methionine 847 with threonine.
Molecular consequence: missense variant.
Genome position (GRCh38, 1-based): chr11:108,267,244, T>C. VCF-style: chr11-108267244-T-C. GRCh37 (hg19) VCF-style: chr11-108137971-T-C.
Other names: c.2540T>C, p.Met847Thr (NM_001351834.2); short protein forms M847T.
Identifiers: ClinVar variation 1999187 (VCV001999187.2), dbSNP rs1382712243, ClinGen allele CA382543630.